The following is an entry in ClinVar:

NM_005515.4(MNX1):c.244C>G (p.Arg82Gly)

Gene: MNX1 (motor neuron and pancreas homeobox 1; minus strand). Cytogenetic location: 7q36.3.
Variant type: single nucleotide variant.
Coding change: c.244C>G on transcript NM_005515.4 (MANE Select); coding-DNA position 244, C replaced by G.
Protein change: p.Arg82Gly; replaces arginine 82 with glycine.
Molecular consequence: missense variant.
Genome position (GRCh38, 1-based): chr7:157,010,107, G>C on the plus strand (C>G on the coding strand, the complement: MNX1 is on the minus strand). VCF-style: chr7-157010107-G-C. GRCh37 (hg19) VCF-style: chr7-156802801-G-C.
Other names: short protein forms R82G.
Identifiers: ClinVar variation 4798979 (VCV004798979.1).

ClinVar aggregate classification (germline): Uncertain significance (1 of 4 stars; one submission).

Submission:

Labcorp Genetics (formerly Invitae), Labcorp
Classification: Uncertain significance. Last evaluated: 2025-06-03. Review status: criteria provided, single submitter. Criteria: Invitae Variant Classification Sherloc (09022015). Collection method: clinical testing. Allele origin: germline.
Comment: This sequence change replaces arginine, which is basic and polar, with glycine, which is neutral and non-polar, at codon 82 of the MNX1 protein (p.Arg82Gly). The frequency data for this variant in the population databases is considered unreliable, as metrics indicate insufficient coverage at this position in the gnomAD database. This variant has not been reported in the literature in individuals affected with MNX1-related conditions. Invitae Evidence Modeling of protein sequence and biophysical properties (such as structural, functional, and spatial information, amino acid conservation, physicochemical variation, residue mobility, and thermodynamic stability) indicates that this missense variant is not expected to disrupt MNX1 protein function with a negative predictive value of 80%. In summary, the available evidence is currently insufficient to determine the role of this variant in disease. Therefore, it has been classified as a Variant of Uncertain Significance.